The following is an entry in ClinVar:

ClinVar aggregate classification (germline): Likely benign (0 of 4 stars; one submission).

Conditions:
ERCC1-related disorder. Also called: ERCC1-related condition.

Allele frequency attached by ClinVar (database versions not stated): gnomAD exomes below 0.00001; ExAC 0.00001; gnomAD 0.00001; TOPMed 0.00001.
gnomAD v4.1: 3 of 916,186 alleles (0.00033%); highest among the groups gnomAD compares: Admixed American, 0.0034%; no homozygotes.

Submission:

PreventionGenetics, part of Exact Sciences
Classification: Likely benign for ERCC1-related condition. Last evaluated: 2020-05-22. Review status: no assertion criteria provided. Collection method: clinical testing. Allele origin: germline.
Comment: This variant is classified as likely benign based on ACMG/AMP sequence variant interpretation guidelines (Richards et al. 2015 PMID: 25741868, with internal and published modifications).

NM_001983.4(ERCC1):c.864C>T (p.Val288=)

Genes: POLR1G (RNA polymerase I subunit G; plus strand), ERCC1 (ERCC excision repair 1, endonuclease non-catalytic subunit; minus strand). Cytogenetic location: 19q13.32.
Variant type: single nucleotide variant.
Coding change: c.864C>T on transcript NM_001983.4 (MANE Select); coding-DNA position 864, C replaced by T.
Protein change: p.Val288=; no amino-acid change (valine 288 retained).
Molecular consequence: synonymous variant. On other transcripts: 3 prime UTR variant (2).
Genome position (GRCh38, 1-based): chr19:45,409,705, G>A on the plus strand (C>T on the coding strand, the complement: ERCC1 is on the minus strand). VCF-style: chr19-45409705-G-A. GRCh37 (hg19) VCF-style: chr19-45912963-G-A.
Other names: c.*204G>A (NM_001297590.3, NM_012099.3); c.792C>T, p.Val264= (NM_001166049.2, NM_001369417.1, NM_001369418.1 and 1 more transcripts); c.864C>T, p.Val288= (NM_001369412.1, NM_001369413.1, NM_001369414.1 and 2 more transcripts).
Identifiers: ClinVar variation 3036757 (VCV003036757.2), dbSNP rs765177749, ClinGen allele CA9515224.